The following is an entry in ClinVar:

NM_001267550.2(TTN):c.51817G>T (p.Gly17273Ter)

Genes: TTN (titin; minus strand), TTN-AS1 (TTN antisense RNA 1; plus strand). Cytogenetic location: 2q31.2.
Variant type: single nucleotide variant.
Coding change: c.51817G>T on transcript NM_001267550.2 (MANE Select); coding-DNA position 51817, G replaced by T.
Protein change: p.Gly17273Ter; replaces glycine 17273 with a stop codon.
Molecular consequence: nonsense.
Genome position (GRCh38, 1-based): chr2:178,609,493, C>A on the plus strand (G>T on the coding strand, the complement: TTN is on the minus strand). VCF-style: chr2-178609493-C-A. GRCh37 (hg19) VCF-style: chr2-179474220-C-A.
Other names: c.46894G>T, p.Gly15632Ter (NM_001256850.1); c.24622G>T, p.Gly8208Ter (NM_003319.4); c.44113G>T, p.Gly14705Ter (NM_133378.4); c.24997G>T, p.Gly8333Ter (NM_133432.3); c.25198G>T, p.Gly8400Ter (NM_133437.4); short protein forms G14705*, G15632*, G17273*, G8208*, G8333*, G8400*.
Identifiers: ClinVar variation 3338344 (VCV003338344.1).

ClinVar aggregate classification (germline): Likely pathogenic (1 of 4 stars; one submission).

Conditions:
Primary dilated cardiomyopathy (DCM). Also called: Dilated Cardiomyopathy. Identifiers: Orphanet 217604, MedGen C0007193, MeSH D002311, MONDO:0005021, HP:0001644. Inheritance: Various modes of inheritance.

Submission:

Lildballe Lab, Aarhus University Hospital
Classification: Likely pathogenic for dilated cardiomyopathy. Last evaluated: 2024-03-01. Review status: criteria provided, single submitter. Criteria: ACMG Guidelines, 2015. Collection method: research. Allele origin: germline. Affected: yes.
Comment: PVS1(vs), PM2(sup)

Literature cited by the submitters: PubMed 25741921; PubMed 39481677.